The following is an entry in ClinVar:

NM_005555.4(KRT6B):c.198C>A (p.Gly66=)

Gene: KRT6B (keratin 6B; minus strand). Cytogenetic location: 12q13.13.
Variant type: single nucleotide variant.
Coding change: c.198C>A on transcript NM_005555.4 (MANE Select); coding-DNA position 198, C replaced by A.
Protein change: p.Gly66=; no amino-acid change (glycine 66 retained).
Molecular consequence: synonymous variant.
Genome position (GRCh38, 1-based): chr12:52,451,881, G>T on the plus strand (C>A on the coding strand, the complement: KRT6B is on the minus strand). VCF-style: chr12-52451881-G-T. GRCh37 (hg19) VCF-style: chr12-52845665-G-T.
Identifiers: ClinVar variation 3056410 (VCV003056410.2), dbSNP rs141114189, ClinGen allele CA6580912.
Genomic context (GRCh38, chr12:52,451,881, plus strand): 5'-TCTGCTGCCATAGCCGCCACTGATGGCACAGCTGCCCCCTCCAATGGAGATCCTCTTGGA[G>T]CCCCCCAGGCCATACAGACTGCGGCTGCCAAAGCCAGCTCCTCCACATGCGCCACCCAGG-3'
Protein context (NP_005546.2, residues 56-76): FGSRSLYGLG[Gly66=]SKRISIGGGS

ClinVar aggregate classification (germline): Likely benign (0 of 4 stars; one submission).

Conditions:
KRT6B-related disorder. Also called: KRT6B-related condition.

Allele frequency attached by ClinVar (database versions not stated): ExAC 0.00236.

Submission:

PreventionGenetics, part of Exact Sciences
Classification: Likely benign for KRT6B-related condition. Last evaluated: 2024-01-03. Review status: no assertion criteria provided. Collection method: clinical testing. Allele origin: germline.
Comment: This variant is classified as likely benign based on ACMG/AMP sequence variant interpretation guidelines (Richards et al. 2015 PMID: 25741868, with internal and published modifications).